The following is an entry in ClinVar:

ClinVar aggregate classification (germline): Uncertain significance. Review status: criteria provided, multiple submitters, no conflicts (2 of 4 stars). 2 submissions from 2 submitters: Uncertain significance (2). Last evaluated 2025-01-31.

Conditions:
Holoprosencephaly 2 (HPE2). Identifiers: Orphanet 2162, MedGen C1834877, MONDO:0007999, OMIM 157170.

Allele frequency attached by ClinVar (database versions not stated): TOPMed below 0.00001; gnomAD exomes below 0.00001.
gnomAD v4.1: 1 of 1,597,826 alleles (0.000063%); highest among the groups gnomAD compares: Admixed American, 0.0017%; no homozygotes.

Submissions (2):

GeneDx
Classification: Uncertain significance. Last evaluated: 2025-01-31. Review status: criteria provided, single submitter. Criteria: GeneDx Variant Classification Process June 2021. Collection method: clinical testing. Allele origin: germline.
Comment: Not observed at significant frequency in large population cohorts (gnomAD); In silico analysis supports that this missense variant has a deleterious effect on protein structure/function; Has not been previously published as pathogenic or benign to our knowledge

Labcorp Genetics (formerly Invitae), Labcorp
Classification: Uncertain significance for Holoprosencephaly 2. Last evaluated: 2022-12-31. Review status: criteria provided, single submitter. Criteria: Invitae Variant Classification Sherloc (09022015). Collection method: clinical testing. Allele origin: germline.
Comment: This variant has not been reported in the literature in individuals affected with SIX3-related conditions. This variant is present in population databases (no rsID available, gnomAD 0.003%). This sequence change replaces glycine, which is neutral and non-polar, with arginine, which is basic and polar, at codon 103 of the SIX3 protein (p.Gly103Arg). Advanced modeling of protein sequence and biophysical properties (such as structural, functional, and spatial information, amino acid conservation, physicochemical variation, residue mobility, and thermodynamic stability) performed at Invitae indicates that this missense variant is not expected to disrupt SIX3 protein function. In summary, the available evidence is currently insufficient to determine the role of this variant in disease. Therefore, it has been classified as a Variant of Uncertain Significance.

NM_005413.4(SIX3):c.307G>C (p.Gly103Arg)

Gene: SIX3 (SIX homeobox 3; plus strand). Cytogenetic location: 2p21.
Variant type: single nucleotide variant.
Coding change: c.307G>C on transcript NM_005413.4 (MANE Select); coding-DNA position 307, G replaced by C.
Protein change: p.Gly103Arg; replaces glycine 103 with arginine.
Molecular consequence: missense variant.
Genome position (GRCh38, 1-based): chr2:44,942,411, G>C. VCF-style: chr2-44942411-G-C. GRCh37 (hg19) VCF-style: chr2-45169550-G-C.
Other names: short protein forms G103R.
Identifiers: ClinVar variation 2576903 (VCV002576903.5), dbSNP rs1326804162, ClinGen allele CA346799293.